The following is an entry in ClinVar:

NM_006180.6(NTRK2):c.91G>A (p.Ala31Thr)

Gene: NTRK2 (neurotrophic receptor tyrosine kinase 2; plus strand). Cytogenetic location: 9q21.33.
Variant type: single nucleotide variant.
Coding change: c.91G>A on transcript NM_006180.6 (MANE Select); coding-DNA position 91, G replaced by A.
Protein change: p.Ala31Thr; replaces alanine 31 with threonine.
Molecular consequence: missense variant.
Genome position (GRCh38, 1-based): chr9:84,670,839, G>A. VCF-style: chr9-84670839-G-A. GRCh37 (hg19) VCF-style: chr9-87285754-G-A.
Other names: c.91G>A, p.Ala31Thr (NM_001007097.3, NM_001018064.3, NM_001018065.2 and 18 more transcripts); short protein forms A31T.
Identifiers: ClinVar variation 1424136 (VCV001424136.8), dbSNP rs370304899, ClinGen allele CA5105405.

ClinVar aggregate classification (germline): Uncertain significance (1 of 4 stars; one submission).

Allele frequency attached by ClinVar (database versions not stated): ExAC 0.00001; gnomAD 0.00001; TOPMed 0.00002; ESP Exome Variant Server 0.00008.
gnomAD v4.1: 4 of 1,613,926 alleles (0.00025%); highest among the groups gnomAD compares: Non-Finnish European, 0.00034%; no homozygotes.

Submission:

Labcorp Genetics (formerly Invitae), Labcorp
Classification: Uncertain significance. Last evaluated: 2024-09-16. Review status: criteria provided, single submitter. Criteria: Invitae Variant Classification Sherloc (09022015). Collection method: clinical testing. Allele origin: germline.
Comment: This sequence change replaces alanine, which is neutral and non-polar, with threonine, which is neutral and polar, at codon 31 of the NTRK2 protein (p.Ala31Thr). This variant is present in population databases (rs370304899, gnomAD 0.0009%). This variant has not been reported in the literature in individuals affected with NTRK2-related conditions. ClinVar contains an entry for this variant (Variation ID: 1424136). An algorithm developed to predict the effect of missense changes on protein structure and function (PolyPhen-2) suggests that this variant is likely to be disruptive. In summary, the available evidence is currently insufficient to determine the role of this variant in disease. Therefore, it has been classified as a Variant of Uncertain Significance.